The following is an entry in ClinVar:

ClinVar aggregate classification (germline): Uncertain significance (1 of 4 stars; one submission).

Conditions:
Frasier syndrome. Identifiers: Orphanet 347, MedGen C0950122, MeSH D052159, MONDO:0007635, OMIM 136680.
Drash syndrome (DDS). Also called: NEPHROPATHY, WILMS TUMOR, AND GENITAL ANOMALIES; WILMS TUMOR AND PSEUDO- OR TRUE HERMAPHRODITISM. Identifiers: Orphanet 220, MedGen C0950121, MONDO:0008682, OMIM 194080.
Wilms tumor 1 (WT1). Also called: Wilms tumor, somatic. Identifiers: Orphanet 654, MedGen CN033288, MONDO:0008679, OMIM 194070.
11p partial monosomy syndrome (WAGR). Also called: WAGR Complex; WAGR syndrome; WAGR Spectrum Disorder; CHROMOSOME 11p13 DELETION SYNDROME. Identifiers: Orphanet 893, MedGen C0206115, MONDO:0008681, OMIM 194072.

Submission:

Labcorp Genetics (formerly Invitae), Labcorp
Classification: Uncertain significance for Wilms tumor 1; Drash syndrome; 11p partial monosomy syndrome; Frasier syndrome. Last evaluated: 2022-04-08. Review status: criteria provided, single submitter. Criteria: Invitae Variant Classification Sherloc (09022015). Collection method: clinical testing. Allele origin: germline.
Comment: This sequence change replaces arginine, which is basic and polar, with proline, which is neutral and non-polar, at codon 380 of the WT1 protein (p.Arg380Pro). This variant is not present in population databases (gnomAD no frequency). This variant has not been reported in the literature in individuals affected with WT1-related conditions. ClinVar contains an entry for this variant (Variation ID: 946632). Algorithms developed to predict the effect of missense changes on protein structure and function (SIFT, PolyPhen-2, Align-GVGD) all suggest that this variant is likely to be disruptive. In summary, the available evidence is currently insufficient to determine the role of this variant in disease. Therefore, it has been classified as a Variant of Uncertain Significance.

NM_024426.6(WT1):c.1154G>C (p.Arg385Pro)

Gene: WT1 (WT1 transcription factor; minus strand). Cytogenetic location: 11p13.
Variant type: single nucleotide variant.
Coding change: c.1154G>C on transcript NM_024426.6 (MANE Select); coding-DNA position 1154, G replaced by C.
Protein change: p.Arg385Pro; replaces arginine 385 with proline.
Molecular consequence: missense variant. On other transcripts: 5 prime UTR variant (1), non-coding transcript variant (1).
Genome position (GRCh38, 1-based): chr11:32,396,367, C>G on the plus strand (G>C on the coding strand, the complement: WT1 is on the minus strand). VCF-style: chr11-32396367-C-G. GRCh37 (hg19) VCF-style: chr11-32417913-C-G.
Other names: c.1103G>C, p.Arg368Pro (NM_000378.6, NM_001407045.1, NM_001407048.1 and 1 more transcripts); c.503G>C, p.Arg168Pro (NM_001198551.2); c.452G>C, p.Arg151Pro (NM_001198552.2); c.-35G>C (NM_001367854.1); c.1148G>C, p.Arg383Pro (NM_001407044.1); c.1154G>C, p.Arg385Pro (NM_001407046.1, NM_024424.5); c.1031G>C, p.Arg344Pro (NM_001407047.1); c.980G>C, p.Arg327Pro (NM_001407050.1); and 2 more; short protein forms R151P, R368P, R385P, R168P, R131P, R327P, R383P, R344P.
Identifiers: ClinVar variation 946632 (VCV000946632.11), dbSNP rs147241955, ClinGen allele CA379960013.